The following is an entry in ClinVar:

NM_173500.4(TTBK2):c.1036G>A (p.Val346Ile)

Gene: TTBK2 (tau tubulin kinase 2; minus strand). Cytogenetic location: 15q15.2.
Variant type: single nucleotide variant.
Coding change: c.1036G>A on transcript NM_173500.4 (MANE Select); coding-DNA position 1036, G replaced by A.
Protein change: p.Val346Ile; replaces valine 346 with isoleucine.
Molecular consequence: missense variant.
Genome position (GRCh38, 1-based): chr15:42,783,580, C>T on the plus strand (G>A on the coding strand, the complement: TTBK2 is on the minus strand). VCF-style: chr15-42783580-C-T. GRCh37 (hg19) VCF-style: chr15-43075778-C-T.
Other names: short protein forms V346I.
Identifiers: ClinVar variation 2787893 (VCV002787893.3), dbSNP rs1230521886, ClinGen allele CA392021038.

ClinVar aggregate classification (germline): Uncertain significance (1 of 4 stars; one submission).

Allele frequency attached by ClinVar (database versions not stated): gnomAD exomes below 0.00001; TOPMed below 0.00001.
gnomAD v4.1: 1 of 1,614,038 alleles (0.000062%); highest among the groups gnomAD compares: Non-Finnish European, 0.000085%; no homozygotes.

Submission:

Labcorp Genetics (formerly Invitae), Labcorp
Classification: Uncertain significance. Last evaluated: 2023-09-29. Review status: criteria provided, single submitter. Criteria: Invitae Variant Classification Sherloc (09022015). Collection method: clinical testing. Allele origin: germline.
Comment: In summary, the available evidence is currently insufficient to determine the role of this variant in disease. Therefore, it has been classified as a Variant of Uncertain Significance. Advanced modeling of protein sequence and biophysical properties (such as structural, functional, and spatial information, amino acid conservation, physicochemical variation, residue mobility, and thermodynamic stability) performed at Invitae indicates that this missense variant is not expected to disrupt TTBK2 protein function. This variant has not been reported in the literature in individuals affected with TTBK2-related conditions. This variant is present in population databases (no rsID available, gnomAD 0.0009%). This sequence change replaces valine, which is neutral and non-polar, with isoleucine, which is neutral and non-polar, at codon 346 of the TTBK2 protein (p.Val346Ile).